The following is an entry in ClinVar:

ClinVar aggregate classification (germline): Benign (1 of 4 stars; one submission).

Allele frequency attached by ClinVar (database versions not stated): 1000 Genomes Project 30x 0.79747; 1000 Genomes Project 0.79932; TOPMed 0.80498; gnomAD 0.81947 and 0.82381.
gnomAD v4.1: 125,307 of 152,196 alleles (82%); highest among the groups gnomAD compares: Non-Finnish European, 90%; 52,393 homozygotes.

Submission:

GeneDx
Classification: Benign. Last evaluated: 2018-06-16. Review status: criteria provided, single submitter. Criteria: GeneDx Variant Classification (06012015). Collection method: clinical testing. Allele origin: germline. Affected: yes.
Comment: This variant is considered likely benign or benign based on one or more of the following criteria: it is a conservative change, it occurs at a poorly conserved position in the protein, it is predicted to be benign by multiple in silico algorithms, and/or has population frequency not consistent with disease.

NM_152594.3(SPRED1):c.684+167A>G

Gene: SPRED1 (sprouty related EVH1 domain containing 1; plus strand). Cytogenetic location: 15q14.
Variant type: single nucleotide variant.
Coding change: c.684+167A>G on transcript NM_152594.3 (MANE Select); 167 bases into the intron after coding-DNA position 684, A replaced by G.
Molecular consequence: intron variant.
Genome position (GRCh38, 1-based): chr15:38,349,690, A>G. VCF-style: chr15-38349690-A-G. GRCh37 (hg19) VCF-style: chr15-38641891-A-G.
Identifiers: ClinVar variation 561480 (VCV000561480.1), dbSNP rs10083640, ClinGen allele CA14130321.